The following is an entry in ClinVar:

NM_001033855.3(DCLRE1C):c.678+2T>G

Gene: DCLRE1C (DNA cross-link repair 1C; minus strand). Cytogenetic location: 10p13.
Variant type: single nucleotide variant.
Coding change: c.678+2T>G on transcript NM_001033855.3 (MANE Select); the canonical splice donor site of the intron after coding-DNA position 678, T replaced by G.
Molecular consequence: splice donor variant.
Genome position (GRCh38, 1-based): chr10:14,934,378, A>C on the plus strand (T>G on the coding strand, the complement: DCLRE1C is on the minus strand). VCF-style: chr10-14934378-A-C. GRCh37 (hg19) VCF-style: chr10-14976377-A-C.
Other names: c.333+2T>G (NM_001350966.2, NM_001289078.2, NM_001289076.2 and 1 more transcripts); c.678+2T>G (NM_001350965.2); c.318+2T>G (NM_001350967.2, NM_001289077.2, NM_001289079.2 and 2 more transcripts).
Identifiers: ClinVar variation 2998223 (VCV002998223.4), dbSNP rs1215422400, ClinGen allele CA376059345.

ClinVar aggregate classification (germline): Likely pathogenic. Review status: criteria provided, multiple submitters, no conflicts (2 of 4 stars). 2 submissions from 2 submitters: Likely pathogenic (2). Last evaluated 2024-01-15.

Conditions:
Histiocytic medullary reticulosis. Also called: SEVERE COMBINED IMMUNODEFICIENCY WITH HYPEREOSINOPHILIA; Omenn syndrome. Identifiers: Orphanet 39041, MedGen C2700553, MONDO:0011338, OMIM 603554.
Severe combined immunodeficiency due to DCLRE1C deficiency (RS-SCID). Also called: SCID, AUTOSOMAL RECESSIVE, T CELL-NEGATIVE, B CELL-NEGATIVE, NK CELL-POSITIVE, WITH SENSITIVITY TO IONIZING RADIATION. Identifiers: Orphanet 275, MedGen C1865371, MONDO:0011225, OMIM 602450.

Allele frequency attached by ClinVar (database versions not stated): gnomAD exomes below 0.00001; TOPMed below 0.00001.
gnomAD v4.1: 2 of 1,613,962 alleles (0.00012%); highest among the groups gnomAD compares: Non-Finnish European, 0.00017%; no homozygotes.

Submissions (2):

Baylor Genetics
Classification: Likely pathogenic for Histiocytic medullary reticulosis. Last evaluated: 2024-01-15. Review status: criteria provided, single submitter. Criteria: ACMG Guidelines, 2015. Collection method: clinical testing. Allele origin: unknown.

Labcorp Genetics (formerly Invitae), Labcorp
Classification: Likely pathogenic for Athabaskan severe combined immunodeficiency. Last evaluated: 2023-12-09. Review status: criteria provided, single submitter. Criteria: Invitae Variant Classification Sherloc (09022015). Collection method: clinical testing. Allele origin: germline.
Comment: This sequence change affects a donor splice site in intron 8 of the DCLRE1C gene. It is expected to disrupt RNA splicing. Variants that disrupt the donor or acceptor splice site typically lead to a loss of protein function (PMID: 16199547), and loss-of-function variants in DCLRE1C are known to be pathogenic (PMID: 21664875, 26123418). This variant is present in population databases (no rsID available, gnomAD 0.0009%). This variant has not been reported in the literature in individuals affected with DCLRE1C-related conditions. Algorithms developed to predict the effect of sequence changes on RNA splicing suggest that this variant may disrupt the consensus splice site. In summary, the currently available evidence indicates that the variant is pathogenic, but additional data are needed to prove that conclusively. Therefore, this variant has been classified as Likely Pathogenic.

Literature cited by the submitters: PubMed 16199547 (cited by Labcorp Genetics (formerly Invitae), Labcorp); PubMed 21664875 (cited by Labcorp Genetics (formerly Invitae), Labcorp); PubMed 26123418 (cited by Labcorp Genetics (formerly Invitae), Labcorp).